The following is an entry in ClinVar:

ClinVar aggregate classification (germline): Conflicting classifications of pathogenicity. Review status: criteria provided, conflicting classifications (1 of 4 stars). 5 submissions from 4 submitters: Uncertain significance (1); Benign (1); Likely benign (3). Last evaluated 2025-10-24.

Conditions:
Corneal dystrophy. Identifiers: Orphanet 34533, MedGen C0010036, MONDO:0018102, HP:0001131.
Bietti crystalline corneoretinal dystrophy (BCD). Also called: BIETTI TAPETORETINAL DEGENERATION WITH MARGINAL CORNEAL DYSTROPHY; Bietti Crystalline Dystrophy. Identifiers: Orphanet 41751, MedGen C1859486, MONDO:0008865, OMIM 210370.

Allele frequency attached by ClinVar (database versions not stated): TOPMed 0.00209; ESP Exome Variant Server 0.00261; 1000 Genomes Project 30x 0.00094; 1000 Genomes Project 0.00120.
gnomAD v4.1: 497 of 1,614,054 alleles (0.031%); highest among the groups gnomAD compares: African/African-American, 0.61%; 2 homozygotes.

Submissions (5):

Labcorp Genetics (formerly Invitae), Labcorp
Classification: Benign. Last evaluated: 2025-10-24. Review status: criteria provided, single submitter. Criteria: Invitae Variant Classification Sherloc (09022015). Collection method: clinical testing. Allele origin: germline.

Blueprint Genetics
Classification: Likely benign. Last evaluated: 2024-10-24. Review status: criteria provided, single submitter. Criteria: ACMG Guidelines, 2015. Collection method: clinical testing. Allele origin: germline.

CeGaT Center for Human Genetics Tuebingen
Classification: Likely benign. Last evaluated: 2023-06-01. Review status: criteria provided, single submitter. Criteria: CeGaT Center For Human Genetics Tuebingen Variant Classification Criteria Version 2. Collection method: clinical testing. Allele origin: germline. Affected: yes. Observed: 1 variant allele.
Comment: CYP4V2: BP4, BP7

Illumina Laboratory Services, Illumina
Classification: Likely benign for Bietti crystalline corneoretinal dystrophy. Last evaluated: 2018-01-12. Review status: criteria provided, single submitter. Criteria: ICSL Variant Classification Criteria 13 December 2019. Collection method: clinical testing. Allele origin: germline.
Comment: This variant was observed in the ICSL laboratory as part of a predisposition screen in an ostensibly healthy population. It had not been previously curated by ICSL or reported in the Human Gene Mutation Database (HGMD: prior to June 1st, 2018), and was therefore a candidate for classification through an automated scoring system. Utilizing variant allele frequency, disease prevalence and penetrance estimates, and inheritance mode, an automated score was calculated to assess if this variant is too frequent to cause the disease. Based on the score and internal cut-off values, a variant classified as likely benign is not then subjected to further curation. The score for this variant resulted in a classification of likely benign for this disease.

Illumina Laboratory Services, Illumina
Classification: Uncertain significance for Corneal dystrophy. Last evaluated: 2018-01-12. Review status: criteria provided, single submitter. Criteria: ICSL Variant Classification Criteria 13 December 2019. Collection method: clinical testing. Allele origin: germline.

NM_207352.4(CYP4V2):c.1338C>G (p.Pro446=)

Gene: CYP4V2 (cytochrome P450 family 4 subfamily V member 2; plus strand). Cytogenetic location: 4q35.2.
Variant type: single nucleotide variant.
Coding change: c.1338C>G on transcript NM_207352.4 (MANE Select); coding-DNA position 1338, C replaced by G.
Protein change: p.Pro446=; no amino-acid change (proline 446 retained).
Molecular consequence: synonymous variant.
Genome position (GRCh38, 1-based): chr4:186,209,205, C>G. VCF-style: chr4-186209205-C-G. GRCh37 (hg19) VCF-style: chr4-187130359-C-G.
Identifiers: ClinVar variation 348312 (VCV000348312.38), dbSNP rs35524919, ClinGen allele CA3162833.